The following is an entry in ClinVar:

NM_001142864.4(PIEZO1):c.5393C>T (p.Ser1798Phe)

Gene: PIEZO1 (piezo type mechanosensitive ion channel component 1 (Er blood group); minus strand). Cytogenetic location: 16q24.3.
Variant type: single nucleotide variant.
Coding change: c.5393C>T on transcript NM_001142864.4 (MANE Select); coding-DNA position 5393, C replaced by T.
Protein change: p.Ser1798Phe; replaces serine 1798 with phenylalanine.
Molecular consequence: missense variant.
Genome position (GRCh38, 1-based): chr16:88,721,548, G>A on the plus strand (C>T on the coding strand, the complement: PIEZO1 is on the minus strand). VCF-style: chr16-88721548-G-A. GRCh37 (hg19) VCF-style: chr16-88787956-G-A.
Other names: p.Ser1798Phe; c.3935C>T, p.Ser1312Phe (NM_014745.1); c.5393C>T (NM_001142864.2); short protein forms S1312F, S1798F.
Identifiers: ClinVar variation 2434747 (VCV002434747.8), dbSNP rs764374591, ClinGen allele CA8231897.

ClinVar aggregate classification (germline): Conflicting classifications of pathogenicity. Review status: criteria provided, conflicting classifications (1 of 4 stars). 5 submissions from 5 submitters: Uncertain significance (3); Benign (1); Likely benign (1). Last evaluated 2025-08-13.

Conditions:
Inborn genetic diseases. Identifiers: MedGen C0950123, MeSH D030342.

Allele frequency attached by ClinVar (database versions not stated): TOPMed 0.00025; ExAC 0.00005.
gnomAD v4.1: 94 of 1,549,250 alleles (0.0061%); highest among the groups gnomAD compares: Admixed American, 0.073%; no homozygotes.

Submissions (5):

Labcorp Genetics (formerly Invitae), Labcorp
Classification: Benign. Last evaluated: 2025-08-13. Review status: criteria provided, single submitter. Criteria: Invitae Variant Classification Sherloc (09022015). Collection method: clinical testing. Allele origin: germline.

Ambry Genetics
Classification: Uncertain significance for Inborn genetic diseases. Last evaluated: 2024-11-10. Review status: criteria provided, single submitter. Criteria: Ambry Variant Classification Scheme 2023. Collection method: clinical testing. Allele origin: germline.

Mayo Clinic Laboratories, Mayo Clinic
Classification: Uncertain significance. Last evaluated: 2023-10-03. Review status: criteria provided, single submitter. Criteria: ACMG Guidelines, 2015. Collection method: clinical testing. Allele origin: germline. Observed: 1 variant allele.
Comment: PM2_moderate

Revvity Omics, Revvity
Classification: Uncertain significance. Last evaluated: 2023-02-26. Review status: criteria provided, single submitter. Criteria: ACMG Guidelines, 2015. Collection method: clinical testing. Allele origin: germline.

ARUP Laboratories, Molecular Genetics and Genomics, ARUP Laboratories
Classification: Likely benign. Last evaluated: 2023-02-14. Review status: criteria provided, single submitter. Criteria: ARUP Molecular Germline Variant Investigation Process 2024. Collection method: clinical testing. Allele origin: germline.